The following is an entry in ClinVar:

NM_000553.6(WRN):c.356-3C>T

Gene: WRN (WRN RecQ like helicase; plus strand). Cytogenetic location: 8p12.
Variant type: single nucleotide variant.
Coding change: c.356-3C>T on transcript NM_000553.6 (MANE Select); 3 bases into the intron before coding-DNA position 356, C replaced by T.
Molecular consequence: intron variant.
Genome position (GRCh38, 1-based): chr8:31,064,912, C>T. VCF-style: chr8-31064912-C-T. GRCh37 (hg19) VCF-style: chr8-30922428-C-T.
Identifiers: ClinVar variation 1023357 (VCV001023357.5), dbSNP rs1812634399, ClinGen allele CA2499219229.

ClinVar aggregate classification (germline): Uncertain significance (1 of 4 stars; one submission).

Conditions:
Werner syndrome (WRN). Identifiers: Orphanet 902, MedGen C0043119, MONDO:0010196, OMIM 277700.

Allele frequency attached by ClinVar (database versions not stated): gnomAD exomes below 0.00001; TOPMed below 0.00001.
gnomAD v4.1: 1 of 1,613,260 alleles (0.000062%); highest among the groups gnomAD compares: Non-Finnish European, 0.000085%; no homozygotes.

Submission:

Labcorp Genetics (formerly Invitae), Labcorp
Classification: Uncertain significance for Werner syndrome. Last evaluated: 2021-03-29. Review status: criteria provided, single submitter. Criteria: Invitae Variant Classification Sherloc (09022015). Collection method: clinical testing. Allele origin: germline.
Comment: In summary, the available evidence is currently insufficient to determine the role of this variant in disease. Therefore, it has been classified as a Variant of Uncertain Significance. Nucleotide substitutions within the consensus splice site are a relatively common cause of aberrant splicing (PMID: 17576681, 9536098). Experimental studies and prediction algorithms are not available or were not evaluated, and the effect of this variant on mRNA splicing is currently unknown. This variant has not been reported in the literature in individuals with WRN-related conditions. This variant is not present in population databases (ExAC no frequency). This sequence change falls in intron 4 of the WRN gene. It does not directly change the encoded amino acid sequence of the WRN protein, but it affects a nucleotide within the consensus splice site of the intron.

Literature cited by the submitters: PubMed 17576681; PubMed 9536098.